The following is an entry in ClinVar:

CM000677.1:g.24594816_24668007dup

Variant type: Duplication.
Identifiers: ClinVar variation 157334 (VCV000157334.2).

ClinVar aggregate classification (germline): not provided. Review status: no classification provided (0 of 4 stars). 2 submissions from 1 submitter: not provided (2).

Conditions:
Large for gestational age. Identifiers: MedGen C1848395, HP:0001520.
Gestational diabetes mellitus uncontrolled. Identifiers: MedGen C3532257.

Submissions (2):

Institute of Molecular and Cell Biology, University of Tartu
No classification provided. Condition: Large for gestational age. Review status: no classification provided. Collection method: case-control. Allele origin: unknown. Affected: yes. Study: Kasak2014.
Comment: The study aimed to determine the contribution of copy number variants in the genetic etiology of normal and complicated pregnancies. The samples represented (i) maternal blood DNA drawn from healthy pregnant women during 1st or 2nd trimester and (ii) maternal and paternal blood DNA drawn at term pregnancy cases representing normal and complicated gestations (severe preeclampsia, PE; gestational diabetes, GD; small-for-gestational age newborn, SGA; large-for-gestational age newborn, LGA). We performed CNV calling based on genome-wide genotyping dataset (Illumina HumanOmniExpress-24-v1 BeadChip) by applying three algorithms, QuantiSNP, GADA (Genome Alteration Detection Algorithm) and CNstream in parallel. The acquired CNV calls were merged with HD-CNV (Hotspot Detector for Copy Number Variants) program and only the CNVs predicted by at least two programs, were considered in subsequent analysis.

Institute of Molecular and Cell Biology, University of Tartu
No classification provided. Condition: Gestational diabetes mellitus uncontrolled. Review status: no classification provided. Collection method: case-control. Allele origin: unknown. Affected: yes. Study: Kasak2014.
Comment: the same text as in the submission from Institute of Molecular and Cell Biology, University of Tartu above.

Literature cited by the submitters: PubMed 25666259.